The following is an entry in ClinVar:

ClinVar aggregate classification (germline): Uncertain significance. Review status: criteria provided, multiple submitters, no conflicts (2 of 4 stars). 2 submissions from 2 submitters: Uncertain significance (2). Last evaluated 2024-12-02.

Allele frequency attached by ClinVar (database versions not stated): ExAC 0.00001; gnomAD exomes 0.00001.
gnomAD v4.1: 3 of 1,614,106 alleles (0.00019%); highest among the groups gnomAD compares: South Asian, 0.0011%; no homozygotes.

Submissions (3):

Labcorp Genetics (formerly Invitae), Labcorp
Classification: Uncertain significance. Last evaluated: 2024-12-02. Review status: criteria provided, single submitter. Criteria: Invitae Variant Classification Sherloc (09022015). Collection method: clinical testing. Allele origin: germline.
Comment: This sequence change replaces arginine, which is basic and polar, with glutamine, which is neutral and polar, at codon 1154 of the MTOR protein (p.Arg1154Gln). This variant is present in population databases (rs768076455, gnomAD 0.002%). This variant has not been reported in the literature in individuals affected with MTOR-related conditions. ClinVar contains an entry for this variant (Variation ID: 1952014). Invitae Evidence Modeling of protein sequence and biophysical properties (such as structural, functional, and spatial information, amino acid conservation, physicochemical variation, residue mobility, and thermodynamic stability) indicates that this missense variant is not expected to disrupt MTOR protein function with a negative predictive value of 95%. Algorithms developed to predict the effect of sequence changes on RNA splicing suggest that this variant may create or strengthen a splice site. In summary, the available evidence is currently insufficient to determine the role of this variant in disease. Therefore, it has been classified as a Variant of Uncertain Significance.

GeneDx
Classification: Uncertain significance. Last evaluated: 2024-09-19. Review status: criteria provided, single submitter. Criteria: GeneDx Variant Classification Process June 2021. Collection method: clinical testing. Allele origin: germline. Affected: yes.
Comment: In silico analysis supports that this missense variant has a deleterious effect on protein structure/function; In silico analysis suggests this variant may impact gene splicing. In the absence of RNA/functional studies, the actual effect of this sequence change is unknown.; Has not been previously published as pathogenic or benign to our knowledge

Dr. Peter K. Rogan Lab, Western University
No classification provided (evidence only). Condition: Gastric cancer. Review status: no classification provided. Collection method: in vitro. Allele origin: not applicable. Functional consequence: retained intron. Not counted in ClinVar's aggregate classification.

NM_004958.4(MTOR):c.3461G>A (p.Arg1154Gln)

Gene: MTOR (mechanistic target of rapamycin kinase; minus strand). Cytogenetic location: 1p36.22.
Variant type: single nucleotide variant.
Coding change: c.3461G>A on transcript NM_004958.4 (MANE Select); coding-DNA position 3461, G replaced by A.
Protein change: p.Arg1154Gln; replaces arginine 1154 with glutamine.
Molecular consequence: missense variant.
Genome position (GRCh38, 1-based): chr1:11,212,412, C>T on the plus strand (G>A on the coding strand, the complement: MTOR is on the minus strand). VCF-style: chr1-11212412-C-T. GRCh37 (hg19) VCF-style: chr1-11272469-C-T.
Other names: c.3461G>A, p.Arg1154Gln (NM_001386500.1); c.2213G>A, p.Arg738Gln (NM_001386501.1); short protein forms R738Q, R1154Q.
Identifiers: ClinVar variation 1952014 (VCV001952014.7), dbSNP rs768076455, ClinGen allele CA590216.